The following is an entry in ClinVar:

NM_000264.5(PTCH1):c.2156G>C (p.Ser719Thr)

Genes: PTCH1 (patched 1; minus strand), LOC100507346 (uncharacterized LOC100507346; plus strand). Cytogenetic location: 9q22.32.
Variant type: single nucleotide variant.
Coding change: c.2156G>C on transcript NM_000264.5 (MANE Select); coding-DNA position 2156, G replaced by C.
Protein change: p.Ser719Thr; replaces serine 719 with threonine.
Molecular consequence: missense variant. On other transcripts: non-coding transcript variant (2).
Genome position (GRCh38, 1-based): chr9:95,468,845, C>G on the plus strand (G>C on the coding strand, the complement: PTCH1 is on the minus strand). VCF-style: chr9-95468845-C-G. GRCh37 (hg19) VCF-style: chr9-98231127-C-G.
Other names: c.1958G>C, p.Ser653Thr (NM_001083602.3); c.2153G>C, p.Ser718Thr (NM_001083603.3); c.1703G>C, p.Ser568Thr (NM_001083604.3, NM_001083605.3, NM_001083606.3 and 1 more transcripts); c.2000G>C, p.Ser667Thr (NM_001354918.2); short protein forms S568T, S653T, S667T, S718T, S719T.
Identifiers: ClinVar variation 971386 (VCV000971386.11), dbSNP rs1840282022, ClinGen allele CA374115515.

ClinVar aggregate classification (germline): Uncertain significance. Review status: criteria provided, multiple submitters, no conflicts (2 of 4 stars). 2 submissions from 2 submitters: Uncertain significance (2). Last evaluated 2026-01-04.

Conditions:
Gorlin syndrome. Also called: Nevoid Basal Cell Carcinoma Syndrome; Basal cell nevus syndrome. Identifiers: Orphanet 377, MedGen C0004779, MONDO:0007187.
Hereditary cancer-predisposing syndrome. Also called: Tumor predisposition; Hereditary neoplastic syndrome; Hereditary Cancer Syndrome; Neoplastic Syndromes, Hereditary. Identifiers: Orphanet 140162, MedGen C0027672, MeSH D009386, MONDO:0015356.

Submissions (2):

Ambry Genetics
Classification: Uncertain significance for Hereditary cancer-predisposing syndrome. Last evaluated: 2026-01-04. Review status: criteria provided, single submitter. Criteria: Ambry Variant Classification Scheme 2023. Collection method: clinical testing. Allele origin: germline.
Comment: The p.S719T variant (also known as c.2156G>C), located in coding exon 14 of the PTCH1 gene, results from a G to C substitution at nucleotide position 2156. The serine at codon 719 is replaced by threonine, an amino acid with similar properties. This amino acid position is conserved. In addition, this alteration is predicted to be tolerated by in silico analysis. Based on the available evidence, the clinical significance of this variant remains unclear.

Labcorp Genetics (formerly Invitae), Labcorp
Classification: Uncertain significance for Gorlin syndrome. Last evaluated: 2019-10-04. Review status: criteria provided, single submitter. Criteria: Invitae Variant Classification Sherloc (09022015). Collection method: clinical testing. Allele origin: germline.
Comment: This sequence change replaces serine with threonine at codon 719 of the PTCH1 protein (p.Ser719Thr). The serine residue is weakly conserved and there is a small physicochemical difference between serine and threonine. This variant is not present in population databases (ExAC no frequency). This variant has not been reported in the literature in individuals with PTCH1-related conditions. Algorithms developed to predict the effect of missense changes on protein structure and function (SIFT, PolyPhen-2, Align-GVGD) all suggest that this variant is likely to be tolerated, but these predictions have not been confirmed by published functional studies and their clinical significance is uncertain. In summary, the available evidence is currently insufficient to determine the role of this variant in disease. Therefore, it has been classified as a Variant of Uncertain Significance.